The following is an entry in ClinVar:

ClinVar aggregate classification (germline): Uncertain significance (1 of 4 stars; one submission).

Conditions:
Autosomal recessive severe congenital neutropenia due to G6PC3 deficiency. Also called: NEUTROPENIA, SEVERE CONGENITAL, 4, AUTOSOMAL RECESSIVE; G6PC3 Deficiency. Identifiers: Orphanet 331176, MedGen C2751630, MONDO:0012930, OMIM 612541.

Submission:

Labcorp Genetics (formerly Invitae), Labcorp
Classification: Uncertain significance for Autosomal recessive severe congenital neutropenia due to G6PC3 deficiency. Last evaluated: 2024-11-22. Review status: criteria provided, single submitter. Criteria: Invitae Variant Classification Sherloc (09022015). Collection method: clinical testing. Allele origin: germline.
Comment: This sequence change falls in intron 3 of the G6PC3 gene. It does not directly change the encoded amino acid sequence of the G6PC3 protein. This variant is not present in population databases (gnomAD no frequency). This variant has not been reported in the literature in individuals affected with G6PC3-related conditions. Algorithms developed to predict the effect of sequence changes on RNA splicing suggest that this variant may disrupt the consensus splice site. In summary, the available evidence is currently insufficient to determine the role of this variant in disease. Therefore, it has been classified as a Variant of Uncertain Significance.

NM_138387.4(G6PC3):c.417-8_417-6del

Gene: G6PC3 (glucose-6-phosphatase catalytic subunit 3; plus strand). Cytogenetic location: 17q21.31.
Variant type: Microsatellite.
Coding change: c.417-8_417-6del on transcript NM_138387.4 (MANE Select); 8 bases into the intron before coding-DNA position 417 through 6 bases into the intron before coding-DNA position 417, 3 bases deleted (CTT; older notation c.417-8_417-6delCTT).
Molecular consequence: intron variant.
Genome position (GRCh38, 1-based): chr17:44,074,961-44,074,963, CTT deleted; deleting any 3 consecutive bases within chr17:44,074,957-44,074,963 gives the same sequence; the c. name uses the placement nearest the transcript's 3' end. VCF-style (leftmost placement, unchanged base first): chr17-44074956-CTCT-C. GRCh37 (hg19) VCF-style: chr17-42152324-CTCT-C.
Other names: c.72-8_72-6del (NM_001384168.1, NM_001384165.1, NM_001384166.1 and 1 more transcripts); c.416+191_416+193del (NM_001319945.2).
Identifiers: ClinVar variation 3676789 (VCV003676789.2).